The following is an entry in ClinVar:

NM_017950.4(CCDC40):c.51G>A (p.Ser17=)

Gene: CCDC40 (coiled-coil domain 40 molecular ruler complex subunit; plus strand). Cytogenetic location: 17q25.3.
Variant type: single nucleotide variant.
Coding change: c.51G>A on transcript NM_017950.4 (MANE Select); coding-DNA position 51, G replaced by A.
Protein change: p.Ser17=; no amino-acid change (serine 17 retained).
Molecular consequence: synonymous variant.
Genome position (GRCh38, 1-based): chr17:80,038,144, G>A. VCF-style: chr17-80038144-G-A. GRCh37 (hg19) VCF-style: chr17-78011943-G-A.
Other names: c.51G>A, p.Ser17= (NM_001243342.2, NM_001330508.2).
Identifiers: ClinVar variation 226495 (VCV000226495.18), dbSNP rs141650385, ClinGen allele CA8813360.

ClinVar aggregate classification (germline): Benign/Likely benign. Review status: criteria provided, multiple submitters, no conflicts (2 of 4 stars). 4 submissions from 4 submitters: Benign (3); Likely benign (1). Last evaluated 2026-01-06.

Conditions:
Primary ciliary dyskinesia. Also called: Ciliary dyskinesia. Identifiers: Orphanet 244, MedGen C0008780, MONDO:0016575, HP:0012265.

Allele frequency attached by ClinVar (database versions not stated): gnomAD exomes 0.00008 and 0.00027; ExAC 0.00036; gnomAD 0.00063; TOPMed 0.00079; ESP Exome Variant Server 0.00093; 1000 Genomes Project 30x 0.00172; 1000 Genomes Project 0.00180.
gnomAD v4.1: 218 of 1,611,100 alleles (0.014%); highest among the groups gnomAD compares: African/African-American, 0.23%; no homozygotes.

Submissions (4):

Labcorp Genetics (formerly Invitae), Labcorp
Classification: Benign for Primary ciliary dyskinesia. Last evaluated: 2026-01-06. Review status: criteria provided, single submitter. Criteria: Invitae Variant Classification Sherloc (09022015). Collection method: clinical testing. Allele origin: germline.

Blueprint Genetics
Classification: Likely benign. Last evaluated: 2024-06-17. Review status: criteria provided, single submitter. Criteria: ACMG Guidelines, 2015. Collection method: clinical testing. Allele origin: germline.

Ambry Genetics
Classification: Benign for Primary ciliary dyskinesia. Last evaluated: 2018-03-09. Review status: criteria provided, single submitter. Criteria: Ambry Variant Classification Scheme 2023. Collection method: clinical testing. Allele origin: germline.

Laboratory for Molecular Medicine, Mass General Brigham Personalized Medicine
Classification: Benign. Last evaluated: 2016-03-16. Review status: criteria provided, single submitter. Criteria: LMM Criteria. Collection method: clinical testing. Allele origin: germline. Observed: 1 variant allele.
Comment: p.Ser17Ser in exon 2 of CCDC40: This variant is not expected to have clinical si gnificance because it does not alter an amino acid residue and is not located wi thin the splice consensus sequence. It has been identified in 0.4% (33/8674) of African chromosomes by the Exome Aggregation Consortium (ExAC; dbSNP rs141650385).